The following is an entry in ClinVar:

NM_002029.4(FPR1):c.346A>T (p.Ile116Phe)

Gene: FPR1 (formyl peptide receptor 1; minus strand). Cytogenetic location: 19q13.41.
Variant type: single nucleotide variant.
Coding change: c.346A>T on transcript NM_002029.4 (MANE Select); coding-DNA position 346, A replaced by T.
Protein change: p.Ile116Phe; replaces isoleucine 116 with phenylalanine.
Molecular consequence: missense variant.
Genome position (GRCh38, 1-based): chr19:51,746,649, T>A on the plus strand (A>T on the coding strand, the complement: FPR1 is on the minus strand). VCF-style: chr19-51746649-T-A. GRCh37 (hg19) VCF-style: chr19-52249902-T-A.
Other names: c.346A>T, p.Ile116Phe (NM_001193306.2); short protein forms I116F.
Identifiers: ClinVar variation 3015092 (VCV003015092.3), dbSNP rs1268054986, ClinGen allele CA407119302.

ClinVar aggregate classification (germline): Uncertain significance (1 of 4 stars; one submission).

Conditions:
Gingival disorder. Also called: Gingival disease. Identifiers: MedGen C0017563, MONDO:0002021.

Allele frequency attached by ClinVar (database versions not stated): gnomAD exomes below 0.00001; gnomAD 0.00001; TOPMed 0.00001.

Submission:

Labcorp Genetics (formerly Invitae), Labcorp
Classification: Uncertain significance for Gingival disorder. Last evaluated: 2025-01-08. Review status: criteria provided, single submitter. Criteria: Invitae Variant Classification Sherloc (09022015). Collection method: clinical testing. Allele origin: germline.
Comment: This sequence change replaces isoleucine, which is neutral and non-polar, with phenylalanine, which is neutral and non-polar, at codon 116 of the FPR1 protein (p.Ile116Phe). This variant is not present in population databases (gnomAD no frequency). This variant has not been reported in the literature in individuals affected with FPR1-related conditions. ClinVar contains an entry for this variant (Variation ID: 3015092). An algorithm developed to predict the effect of missense changes on protein structure and function (PolyPhen-2) suggests that this variant is likely to be disruptive. In summary, the available evidence is currently insufficient to determine the role of this variant in disease. Therefore, it has been classified as a Variant of Uncertain Significance.